The following is an entry in ClinVar:

NM_152564.5(VPS13B):c.3446-382_3463del

Gene: VPS13B (vacuolar protein sorting 13 homolog B; plus strand). Cytogenetic location: 8q22.2.
Variant type: Deletion.
Coding change: c.3446-382_3463del on transcript NM_152564.5 (MANE Select); 382 bases into the intron before coding-DNA position 3446 through coding-DNA position 3463, 400 bases deleted.
Molecular consequence: splice acceptor variant.
Genome position (GRCh38, 1-based): chr8:99,467,032-99,467,431, 400 bases deleted. GRCh37 (hg19): chr8:100,479,260-100,479,659.
Other names: c.3446-382_3463del (NM_017890.5).
Identifiers: ClinVar variation 639619 (VCV000639619.3), dbSNP rs1588410519, ClinGen allele CA915948689.

ClinVar aggregate classification (germline): Likely pathogenic (1 of 4 stars; one submission).

Conditions:
Cohen syndrome (COH1). Also called: PEPPER SYNDROME; Cutis verticis gyrata, retinitis pigmentosa, and sensorineural deafness. Identifiers: Orphanet 193, MedGen C0265223, MONDO:0008999, OMIM 216550.

Submission:

Labcorp Genetics (formerly Invitae), Labcorp
Classification: Likely pathogenic for Cohen syndrome. Last evaluated: 2025-09-30. Review status: criteria provided, single submitter. Criteria: Invitae Variant Classification Sherloc (09022015). Collection method: clinical testing. Allele origin: germline.
Comment: This variant results in the deletion of part of exon 24 (c.3446-382_3463del) of the VPS13B gene. It is expected to disrupt RNA splicing. Variants that disrupt the donor or acceptor splice site typically lead to a loss of protein function (PMID: 16199547), and loss-of-function variants in VPS13B are known to be pathogenic (PMID: 15141358, 16648375, 20461111). This variant is not present in population databases (gnomAD no frequency). This variant has not been reported in the literature in individuals affected with VPS13B-related conditions. ClinVar contains an entry for this variant (Variation ID: 639619). In summary, the currently available evidence indicates that the variant is pathogenic, but additional data are needed to prove that conclusively. Therefore, this variant has been classified as Likely Pathogenic.

Literature cited by the submitters: PubMed 16199547; PubMed 15141358; PubMed 16648375; PubMed 20461111.